The following is an entry in ClinVar:

ClinVar aggregate classification (germline): Uncertain significance (1 of 4 stars; one submission).

Conditions:
X-linked lymphoproliferative disease due to XIAP deficiency. Also called: XIAP-Related Lymphoproliferative Disease, X-Linked; XIAP DEFICIENCY. Identifiers: Orphanet 2442, Orphanet 538934, MedGen C1845076, MONDO:0010385, OMIM 300635.

Allele frequency attached by ClinVar (database versions not stated): TOPMed 0.00002.

Submission:

Labcorp Genetics (formerly Invitae), Labcorp
Classification: Uncertain significance for X-linked lymphoproliferative disease due to XIAP deficiency. Last evaluated: 2025-08-04. Review status: criteria provided, single submitter. Criteria: Invitae Variant Classification Sherloc (09022015). Collection method: clinical testing. Allele origin: germline.
Comment: This sequence change replaces arginine, which is basic and polar, with serine, which is neutral and polar, at codon 248 of the XIAP protein (p.Arg248Ser). This variant is not present in population databases (gnomAD no frequency). This variant has not been reported in the literature in individuals affected with XIAP-related conditions. ClinVar contains an entry for this variant (Variation ID: 1959205). An algorithm developed to predict the effect of missense changes on protein structure and function (PolyPhen-2) suggests that this variant is likely to be tolerated. In summary, the available evidence is currently insufficient to determine the role of this variant in disease. Therefore, it has been classified as a Variant of Uncertain Significance.

NM_001167.4(XIAP):c.744G>C (p.Arg248Ser)

Gene: XIAP (X-linked inhibitor of apoptosis; plus strand). Cytogenetic location: Xq25.
Variant type: single nucleotide variant.
Coding change: c.744G>C on transcript NM_001167.4 (MANE Select); coding-DNA position 744, G replaced by C.
Protein change: p.Arg248Ser; replaces arginine 248 with serine.
Molecular consequence: missense variant.
Genome position (GRCh38, 1-based): chrX:123,886,406, G>C. VCF-style: chrX-123886406-G-C. GRCh37 (hg19) VCF-style: chrX-123020256-G-C.
Other names: c.744G>C, p.Arg248Ser (NM_001204401.2, NM_001378590.1, NM_001378591.1 and 1 more transcripts); short protein forms R248S.
Identifiers: ClinVar variation 1959205 (VCV001959205.5), dbSNP rs1293582534, ClinGen allele CA414124418.